The following is an entry in ClinVar:

ClinVar aggregate classification (germline): Uncertain significance (1 of 4 stars; one submission).

Allele frequency attached by ClinVar (database versions not stated): gnomAD 0.00001.
gnomAD v4.1: 2 of 1,613,572 alleles (0.00012%); highest among the groups gnomAD compares: Non-Finnish European, 0.000085%; no homozygotes.

Submission:

Labcorp Genetics (formerly Invitae), Labcorp
Classification: Uncertain significance. Last evaluated: 2022-06-13. Review status: criteria provided, single submitter. Criteria: Invitae Variant Classification Sherloc (09022015). Collection method: clinical testing. Allele origin: germline.
Comment: This variant is present in population databases (no rsID available, gnomAD 0.007%). In summary, the available evidence is currently insufficient to determine the role of this variant in disease. Therefore, it has been classified as a Variant of Uncertain Significance. Algorithms developed to predict the effect of missense changes on protein structure and function are either unavailable or do not agree on the potential impact of this missense change (SIFT: "Deleterious"; PolyPhen-2: "Probably Damaging"; Align-GVGD: "Class C0"). ClinVar contains an entry for this variant (Variation ID: 1039077). This variant has not been reported in the literature in individuals affected with HSPG2-related conditions. This sequence change replaces serine, which is neutral and polar, with phenylalanine, which is neutral and non-polar, at codon 2834 of the HSPG2 protein (p.Ser2834Phe).

NM_005529.7(HSPG2):c.8501C>T (p.Ser2834Phe)

Gene: HSPG2 (heparan sulfate proteoglycan 2; minus strand). Cytogenetic location: 1p36.12.
Variant type: single nucleotide variant.
Coding change: c.8501C>T on transcript NM_005529.7 (MANE Select); coding-DNA position 8501, C replaced by T.
Protein change: p.Ser2834Phe; replaces serine 2834 with phenylalanine.
Molecular consequence: missense variant.
Genome position (GRCh38, 1-based): chr1:21,844,263, G>A on the plus strand (C>T on the coding strand, the complement: HSPG2 is on the minus strand). VCF-style: chr1-21844263-G-A. GRCh37 (hg19) VCF-style: chr1-22170756-G-A.
Other names: c.8504C>T, p.Ser2835Phe (NM_001291860.2); short protein forms S2834F, S2835F.
Identifiers: ClinVar variation 1039077 (VCV001039077.8), dbSNP rs1448471296, ClinGen allele CA338917677.